The following is an entry in ClinVar:

ClinVar aggregate classification (germline): Uncertain significance (1 of 4 stars; one submission).

Submission:

Labcorp Genetics (formerly Invitae), Labcorp
Classification: Uncertain significance. Last evaluated: 2023-12-07. Review status: criteria provided, single submitter. Criteria: Invitae Variant Classification Sherloc (09022015). Collection method: clinical testing. Allele origin: germline.
Comment: This sequence change replaces glycine, which is neutral and non-polar, with serine, which is neutral and polar, at codon 60 of the NR2E3 protein (p.Gly60Ser). This variant is not present in population databases (gnomAD no frequency). This variant has not been reported in the literature in individuals affected with NR2E3-related conditions. ClinVar contains an entry for this variant (Variation ID: 947997). Advanced modeling of protein sequence and biophysical properties (such as structural, functional, and spatial information, amino acid conservation, physicochemical variation, residue mobility, and thermodynamic stability) has been performed at Invitae for this missense variant, however the output from this modeling did not meet the statistical confidence thresholds required to predict the impact of this variant on NR2E3 protein function. In summary, the available evidence is currently insufficient to determine the role of this variant in disease. Therefore, it has been classified as a Variant of Uncertain Significance.

NM_014249.4(NR2E3):c.178G>A (p.Gly60Ser)

Gene: NR2E3 (nuclear receptor subfamily 2 group E member 3; plus strand). Cytogenetic location: 15q23.
Variant type: single nucleotide variant.
Coding change: c.178G>A on transcript NM_014249.4 (MANE Select); coding-DNA position 178, G replaced by A.
Protein change: p.Gly60Ser; replaces glycine 60 with serine.
Molecular consequence: missense variant.
Genome position (GRCh38, 1-based): chr15:71,811,542, G>A. VCF-style: chr15-71811542-G-A. GRCh37 (hg19) VCF-style: chr15-72103882-G-A.
Other names: c.178G>A, p.Gly60Ser (NM_016346.4); short protein forms G60S.
Identifiers: ClinVar variation 947997 (VCV000947997.8), dbSNP rs2054180340, ClinGen allele CA393032056.